The following is an entry in ClinVar:

NM_182919.4(TICAM1):c.434G>T (p.Gly145Val)

Gene: TICAM1 (TIR domain containing adaptor molecule 1; minus strand). Cytogenetic location: 19p13.3.
Variant type: single nucleotide variant.
Coding change: c.434G>T on transcript NM_182919.4 (MANE Select); coding-DNA position 434, G replaced by T.
Protein change: p.Gly145Val; replaces glycine 145 with valine.
Molecular consequence: missense variant. On other transcripts: intron variant (1).
Genome position (GRCh38, 1-based): chr19:4,817,944, C>A on the plus strand (G>T on the coding strand, the complement: TICAM1 is on the minus strand). VCF-style: chr19-4817944-C-A. GRCh37 (hg19) VCF-style: chr19-4817956-C-A.
Other names: c.392G>T, p.Gly131Val (NM_001385678.1); c.299G>T, p.Gly100Val (NM_001385679.1); c.-71-138G>T (NM_001385680.1); c.434G>T (NM_182919.2); short protein forms G145V, G100V, G131V.
Identifiers: ClinVar variation 580546 (VCV000580546.10), dbSNP rs753365777, ClinGen allele CA9105353.
Genomic context (GRCh38, chr19:4,817,944, plus strand): 5'-AGGCAGCCCAGATTGGACTGGAGCGTCCGGATGCTCCCTGGATCCCCAGCAATGTCCCAC[C>A]CACACCGGTTTCGGGCCTCATCCTGAAGTTCCCCCAGCCGGTGGTCGTCCCTGGAGCTGA-3'
Protein context (NP_891549.1, residues 135-155): ELQDEARNRC[Gly145Val]WDIAGDPGSI

ClinVar aggregate classification (germline): Uncertain significance. Review status: criteria provided, multiple submitters, no conflicts (2 of 4 stars). 2 submissions from 2 submitters: Uncertain significance (2). Last evaluated 2025-08-07.

Conditions:
Encephalopathy, acute, infection-induced (herpes-specific), susceptibility to, 6. Also called: Herpes simplex encephalitis, susceptibility to, 4. Identifiers: Orphanet 1930, MedGen C3553869, MONDO:0013921, OMIM 614850.

Allele frequency attached by ClinVar (database versions not stated): ExAC 0.00014.
gnomAD v4.1: 77 of 1,613,884 alleles (0.0048%); highest among the groups gnomAD compares: South Asian, 0.083%; no homozygotes.

Submissions (2):

Ambry Genetics
Classification: Uncertain significance. Last evaluated: 2025-08-07. Review status: criteria provided, single submitter. Criteria: Ambry Variant Classification Scheme 2023. Collection method: clinical testing. Allele origin: germline.

Labcorp Genetics (formerly Invitae), Labcorp
Classification: Uncertain significance for Encephalopathy, acute, infection-induced (herpes-specific), susceptibility to, 6. Last evaluated: 2019-05-04. Review status: criteria provided, single submitter. Criteria: Invitae Variant Classification Sherloc (09022015). Collection method: clinical testing. Allele origin: germline.
Comment: This variant is present in population databases (rs753365777, ExAC 0.1%). This sequence change replaces glycine with valine at codon 145 of the TICAM1 protein (p.Gly145Val). The glycine residue is highly conserved and there is a moderate physicochemical difference between glycine and valine. This variant has not been reported in the literature in individuals with TICAM1-related disease. In summary, the available evidence is currently insufficient to determine the role of this variant in disease. Therefore, it has been classified as a Variant of Uncertain Significance. Algorithms developed to predict the effect of missense changes on protein structure and function do not agree on the potential impact of this missense change (SIFT: "Deleterious"; PolyPhen-2: "Probably Damaging"; Align-GVGD: "Class C15").